The following is an entry in ClinVar:

ClinVar aggregate classification (germline): Conflicting classifications of pathogenicity. Review status: criteria provided, conflicting classifications (1 of 4 stars). 7 submissions from 7 submitters: Uncertain significance (4); Likely benign (1). 2 of the submissions do not count toward it. Last evaluated 2026-01-06.

Conditions:
ZNF469-related disorder. Also called: ZNF469-related condition.
Cardiovascular phenotype. Identifiers: MedGen CN230736.
Keratoconus 1 (KTCN1). Identifiers: MedGen C1835677, MONDO:0007851, OMIM 148300.
Brittle cornea syndrome 1 (BCS1). Also called: FRAGILITAS OCULI WITH JOINT HYPEREXTENSIBILITY; DYSGENESIS MESODERMALIS CORNEAE ET SCLERAE; Corneal fragility keratoglobus, blue sclerae AND joint hypermobility; CORNEAL FRAGILITY, KERATOGLOBUS, BLUE SCLERAE, JOINT HYPEREXTENSIBILITY; EDS6B. Identifiers: Orphanet 90354, MedGen C0268344, MONDO:0024543, OMIM 229200.

Allele frequency attached by ClinVar (database versions not stated): ExAC 0.00007; gnomAD exomes 0.00007; TOPMed 0.00007; gnomAD 0.00009.
gnomAD v4.1: 152 of 1,549,864 alleles (0.0098%); highest among the groups gnomAD compares: African/African-American, 0.012%; no homozygotes.

Submissions (7):

Women's Health and Genetics/Laboratory Corporation of America, LabCorp
Classification: Uncertain significance. Last evaluated: 2026-01-06. Review status: criteria provided, single submitter. Criteria: LabCorp Variant Classification Summary - May 2015. Collection method: clinical testing. Allele origin: germline.
Comment: Variant summary: ZNF469 c.11185G>A (p.Gly3729Ser) results in a non-conservative amino acid change in the encoded protein sequence. Algorithms developed to predict the effect of missense changes on protein structure and function are either unavailable or do not agree on the potential impact of this missense change. The variant allele was found at a frequency of 7.4e-05 in 148504 control chromosomes (gnomAD). This frequency is not significantly higher than estimated for disease-causing variants in ZNF469, allowing no conclusion about variant significance. c.11185G>A has been observed in an individual affected with keratoconus, but was also found in control(s) (Lechner_2014); the association of ZNF469 with keratoconus currently is controversial (PMID 41153364). These report(s) do not provide unequivocal conclusions about association of the variant with Brittle cornea syndrome 1. To our knowledge, no experimental evidence demonstrating an impact on protein function has been reported. The following publications have been ascertained in the context of this evaluation (PMID: 24895405). ClinVar contains an entry for this variant (Variation ID: 126918). Based on the evidence outlined above, the variant was classified as uncertain significance.

Ambry Genetics
Classification: Likely benign for Cardiovascular phenotype. Last evaluated: 2025-01-13. Review status: criteria provided, single submitter. Criteria: Ambry Variant Classification Scheme 2023. Collection method: clinical testing. Allele origin: germline.

CeGaT Center for Human Genetics Tuebingen
Classification: Uncertain significance. Last evaluated: 2024-01-01. Review status: criteria provided, single submitter. Criteria: CeGaT Center For Human Genetics Tuebingen Variant Classification Criteria Version 2. Collection method: clinical testing. Allele origin: germline. Affected: yes. Observed: 1 variant allele.
Comment: ZNF469: PM2, BP4

Labcorp Genetics (formerly Invitae), Labcorp
Classification: Uncertain significance. Last evaluated: 2022-07-06. Review status: criteria provided, single submitter. Criteria: Invitae Variant Classification Sherloc (09022015). Collection method: clinical testing. Allele origin: germline.
Comment: This sequence change replaces glycine, which is neutral and non-polar, with serine, which is neutral and polar, at codon 3701 of the ZNF469 protein (p.Gly3701Ser). This variant is present in population databases (rs273585629, gnomAD 0.02%). This missense change has been observed in individual(s) with keratoconus (PMID: 24895405). ClinVar contains an entry for this variant (Variation ID: 126918). Algorithms developed to predict the effect of missense changes on protein structure and function output the following: SIFT: "Tolerated"; PolyPhen-2: "Benign"; Align-GVGD: "Class C0". The serine amino acid residue is found in multiple mammalian species, which suggests that this missense change does not adversely affect protein function. In summary, the available evidence is currently insufficient to determine the role of this variant in disease. Therefore, it has been classified as a Variant of Uncertain Significance.

Department of Pathology and Laboratory Medicine, Sinai Health System
Classification: Uncertain significance for Brittle cornea syndrome 1. Last evaluated: 2019-09-04. Review status: criteria provided, single submitter. Criteria: ACMG Guidelines, 2015. Collection method: research. Allele origin: germline.

PreventionGenetics, part of Exact Sciences
Classification: Uncertain significance for ZNF469-related condition. Last evaluated: 2024-08-06. Review status: no assertion criteria provided. Collection method: clinical testing. Allele origin: germline. Not counted in ClinVar's aggregate classification.
Comment: The ZNF469 c.11101G>A variant is predicted to result in the amino acid substitution p.Gly3701Ser. This variant was reported in an individual with keratoconus (Lechner et al. 2014. PubMed ID: 24895405). This variant is reported in 0.019% of alleles in individuals of African descent in gnomAD. At this time, the clinical significance of this variant is uncertain due to the absence of conclusive functional and genetic evidence.

Willoughby Group, Queen's University Belfast
Classification: Pathogenic for Keratoconus 1. Review status: no assertion criteria provided. Collection method: not provided. Allele origin: germline. Not counted in ClinVar's aggregate classification.
ClinVar note: Converted during submission from pathogenic to Pathogenic.

Literature cited by the submitters: PubMed 24895405 (cited by Women's Health and Genetics/Laboratory Corporation of America, LabCorp and Labcorp Genetics (formerly Invitae), Labcorp); PubMed 41153364 (cited by Women's Health and Genetics/Laboratory Corporation of America, LabCorp).

NM_001367624.2(ZNF469):c.11185G>A (p.Gly3729Ser)

Gene: ZNF469 (zinc finger protein 469; plus strand). Cytogenetic location: 16q24.2.
Variant type: single nucleotide variant.
Coding change: c.11185G>A on transcript NM_001367624.2 (MANE Select); coding-DNA position 11185, G replaced by A.
Protein change: p.Gly3729Ser; replaces glycine 3729 with serine.
Molecular consequence: missense variant.
Genome position (GRCh38, 1-based): chr16:88,438,655, G>A. VCF-style: chr16-88438655-G-A. GRCh37 (hg19) VCF-style: chr16-88505063-G-A.
Other names: NM_001127464.1:c.11101G>A; NM_001127464.2:c.11101G>A; short protein forms G3729S.
Identifiers: ClinVar variation 126918 (VCV000126918.32), dbSNP rs273585629, ClinGen allele CA151275.